The following is an entry in ClinVar:

NM_000540.3(RYR1):c.13566C>T (p.Pro4522=)

Gene: RYR1 (ryanodine receptor 1; plus strand). Cytogenetic location: 19q13.2.
Variant type: single nucleotide variant.
Coding change: c.13566C>T on transcript NM_000540.3 (MANE Select); coding-DNA position 13566, C replaced by T.
Protein change: p.Pro4522=; no amino-acid change (proline 4522 retained).
Molecular consequence: synonymous variant.
Genome position (GRCh38, 1-based): chr19:38,567,824, C>T. VCF-style: chr19-38567824-C-T. GRCh37 (hg19) VCF-style: chr19-39058464-C-T.
Other names: c.13551C>T, p.Pro4517= (NM_001042723.2).
Identifiers: ClinVar variation 2970977 (VCV002970977.18), dbSNP rs1470487879, ClinGen allele CA080898.

ClinVar aggregate classification (germline): Likely benign. Review status: criteria provided, multiple submitters, no conflicts (2 of 4 stars). 3 submissions from 3 submitters: Likely benign (3). Last evaluated 2024-11-01.

Conditions:
Malignant hyperthermia, susceptibility to, 1 (MHS1). Also called: RYR1-Related Malignant Hyperthermia Susceptibility; Malignant hyperthermia suceptibility 1; Anesthesia related hyperthermia; Malignant hyperpyrexia; Fulminating hyperpyrexia; Pharmacogenic myopathy. Identifiers: Orphanet 423, MedGen C2930980, MONDO:0007783, OMIM 145600.
RYR1-related disorder. Also called: RYR1-related condition; RYR1-related disorders. Identifiers: MedGen CN239331.

Allele frequency attached by ClinVar (database versions not stated): gnomAD exomes below 0.00001; TOPMed below 0.00001.
gnomAD v4.1: 3 of 1,614,118 alleles (0.00019%); highest among the groups gnomAD compares: African/African-American, 0.0027%; no homozygotes.

Submissions (3):

CeGaT Center for Human Genetics Tuebingen
Classification: Likely benign. Last evaluated: 2024-11-01. Review status: criteria provided, single submitter. Criteria: CeGaT Center For Human Genetics Tuebingen Variant Classification Criteria Version 2. Collection method: clinical testing. Allele origin: germline. Affected: yes. Observed: 1 variant allele.
Comment: RYR1: BP4, BP7

All of Us Research Program, National Institutes of Health
Classification: Likely benign for Malignant hyperthermia, susceptibility to, 1. Last evaluated: 2024-03-25. Review status: criteria provided, single submitter. Criteria: ACMG Guidelines, 2015. Collection method: clinical testing. Allele origin: germline. Inheritance: Autosomal dominant inheritance. Observed: 1 variant allele, 1 heterozygote.
Comment: This study involves interpretation of variants in research participants for the purpose of population health screening. Participant phenotype was not available at the time of variant classification. Additional details can be found in publication PMID: 35346344, PMCID: PMC8962531

Labcorp Genetics (formerly Invitae), Labcorp
Classification: Likely benign for RYR1-related disorder. Last evaluated: 2023-09-17. Review status: criteria provided, single submitter. Criteria: Invitae Variant Classification Sherloc (09022015). Collection method: clinical testing. Allele origin: germline.